The following is an entry in ClinVar:

NM_012414.4(RAB3GAP2):c.1105G>A (p.Glu369Lys)

Gene: RAB3GAP2 (RAB3 GTPase activating non-catalytic protein subunit 2; minus strand). Cytogenetic location: 1q41.
Variant type: single nucleotide variant.
Coding change: c.1105G>A on transcript NM_012414.4 (MANE Select); coding-DNA position 1105, G replaced by A.
Protein change: p.Glu369Lys; replaces glutamic acid 369 with lysine.
Molecular consequence: missense variant.
Genome position (GRCh38, 1-based): chr1:220,195,103, C>T on the plus strand (G>A on the coding strand, the complement: RAB3GAP2 is on the minus strand). VCF-style: chr1-220195103-C-T. GRCh37 (hg19) VCF-style: chr1-220368445-C-T.
Other names: short protein forms E369K.
Identifiers: ClinVar variation 1361782 (VCV001361782.8), dbSNP rs2102871785, ClinGen allele CA344646393.

ClinVar aggregate classification (germline): Uncertain significance (1 of 4 stars; one submission).

Conditions:
Martsolf syndrome (MARTS). Also called: Congenital cataract with intellectual disability and hypogonadotropic hypogonadism syndrome. Identifiers: Orphanet 1387, MedGen C0796037, MONDO:0023910.
Warburg micro syndrome 2 (WARBM2). Also called: MICRO SYNDROME 2. Identifiers: Orphanet 2510, MedGen C3280214, MONDO:0013641, OMIM 614225.

Submission:

Labcorp Genetics (formerly Invitae), Labcorp
Classification: Uncertain significance for Martsolf syndrome; Warburg micro syndrome 2. Last evaluated: 2021-06-16. Review status: criteria provided, single submitter. Criteria: Invitae Variant Classification Sherloc (09022015). Collection method: clinical testing. Allele origin: germline.
Comment: Algorithms developed to predict the effect of missense changes on protein structure and function are either unavailable or do not agree on the potential impact of this missense change (SIFT: "Tolerated"; PolyPhen-2: "Probably Damaging"; Align-GVGD: "Class C0"). In summary, the available evidence is currently insufficient to determine the role of this variant in disease. Therefore, it has been classified as a Variant of Uncertain Significance. Algorithms developed to predict the effect of sequence changes on RNA splicing suggest that this variant may create or strengthen a splice site, but this prediction has not been confirmed by published transcriptional studies. This variant has not been reported in the literature in individuals with RAB3GAP2-related conditions. This variant is not present in population databases (ExAC no frequency). This sequence change replaces glutamic acid with lysine at codon 369 of the RAB3GAP2 protein (p.Glu369Lys). The glutamic acid residue is moderately conserved and there is a small physicochemical difference between glutamic acid and lysine.